The following is an entry in ClinVar:

ClinVar aggregate classification (germline): Uncertain significance (1 of 4 stars; one submission).

Allele frequency attached by ClinVar (database versions not stated): TOPMed 0.00001.
gnomAD v4.1: 19 of 1,614,132 alleles (0.0012%); highest among the groups gnomAD compares: East Asian, 0.0022%; no homozygotes.

Submission:

Labcorp Genetics (formerly Invitae), Labcorp
Classification: Uncertain significance. Last evaluated: 2024-01-22. Review status: criteria provided, single submitter. Criteria: Invitae Variant Classification Sherloc (09022015). Collection method: clinical testing. Allele origin: germline.
Comment: This sequence change replaces aspartic acid, which is acidic and polar, with glutamic acid, which is acidic and polar, at codon 152 of the SLC18A3 protein (p.Asp152Glu). This variant is present in population databases (no rsID available, gnomAD 0.006%). This variant has not been reported in the literature in individuals affected with SLC18A3-related conditions. Advanced modeling of protein sequence and biophysical properties (such as structural, functional, and spatial information, amino acid conservation, physicochemical variation, residue mobility, and thermodynamic stability) performed at Invitae indicates that this missense variant is not expected to disrupt SLC18A3 protein function with a negative predictive value of 80%. In summary, the available evidence is currently insufficient to determine the role of this variant in disease. Therefore, it has been classified as a Variant of Uncertain Significance.

NM_003055.3(SLC18A3):c.456C>A (p.Asp152Glu)

Genes: SLC18A3 (solute carrier family 18 member A3; plus strand), CHAT (choline O-acetyltransferase; plus strand). Cytogenetic location: 10q11.23.
Variant type: single nucleotide variant.
Coding change: c.456C>A on transcript NM_003055.3 (MANE Select); coding-DNA position 456, C replaced by A.
Protein change: p.Asp152Glu; replaces aspartic acid 152 with glutamic acid.
Molecular consequence: missense variant. On other transcripts: intron variant (1).
Genome position (GRCh38, 1-based): chr10:49,611,196, C>A. VCF-style: chr10-49611196-C-A. GRCh37 (hg19) VCF-style: chr10-50819242-C-A.
Other names: c.-69+1997C>A (NM_020984.4); short protein forms D152E.
Identifiers: ClinVar variation 2985423 (VCV002985423.3), dbSNP rs1428425011, ClinGen allele CA376718671.